The following is an entry in ClinVar:

NM_020458.4(TTC7A):c.2014T>C (p.Ser672Pro)

Gene: TTC7A (tetratricopeptide repeat domain 7A; plus strand). Cytogenetic location: 2p21.
Variant type: single nucleotide variant.
Coding change: c.2014T>C on transcript NM_020458.4 (MANE Select); coding-DNA position 2014, T replaced by C.
Protein change: p.Ser672Pro; replaces serine 672 with proline.
Molecular consequence: missense variant.
Genome position (GRCh38, 1-based): chr2:47,050,043, T>C. VCF-style: chr2-47050043-T-C. GRCh37 (hg19) VCF-style: chr2-47277182-T-C.
Other names: c.2014T>C, p.Ser672Pro (LRG_1323t1); c.2086T>C, p.Ser696Pro (NM_001288951.2); c.1912T>C, p.Ser638Pro (NM_001288953.2); c.952T>C, p.Ser318Pro (NM_001288955.2); short protein forms S672P, S638P, S318P, S696P.
Identifiers: ClinVar variation 242605 (VCV000242605.60), dbSNP rs149602485, ClinGen allele CA060745.

ClinVar aggregate classification (germline): Conflicting classifications of pathogenicity. Review status: criteria provided, conflicting classifications (1 of 4 stars). 9 submissions from 9 submitters: Uncertain significance (6); Likely benign (2). 1 of the submissions does not count toward it. Last evaluated 2026-05-04.

Conditions:
TTC7A-related disorder. Also called: TTC7A-related condition.
Gastrointestinal defects and immunodeficiency syndrome 1 (GIDID1). Also called: Combined immunodeficiency-enteropathy spectrum. Identifiers: Orphanet 436252, MedGen C5968858, MONDO:0800030, OMIM 243150.
Multiple gastrointestinal atresias. Also called: FAMILIAL INTESTINAL POLYATRESIA SYNDROME; Multiple intestinal atresia. Identifiers: Orphanet 2300, MedGen C0220744, MONDO:0009465.

Allele frequency attached by ClinVar (database versions not stated): 1000 Genomes Project 30x 0.00062; 1000 Genomes Project 0.00080; TOPMed 0.00195; ExAC 0.00204; gnomAD 0.00210 and 0.00217; ESP Exome Variant Server 0.00300.
gnomAD v4.1: 4,763 of 1,613,556 alleles (0.3%); highest among the groups gnomAD compares: Non-Finnish European, 0.35%; 11 homozygotes.

Submissions (9):

GeneDx
Classification: Uncertain significance. Last evaluated: 2026-05-04. Review status: criteria provided, single submitter. Criteria: GeneDx Variant Classification Process June 2021. Collection method: clinical testing. Allele origin: germline.
Comment: Observed with the p.(K606R) variant in multiple cases; in cases where phase was determined, it has been observed in cis with p.(K606R) in one individual with combined immunodeficiency with multiple intestinal atresias who harbored another TTC7A variant in trans, and has also been observed in trans with p.(K606R) in an individual with common variable immunodeficiency (PMID: 23830146, 28808844); In silico analysis supports that this missense variant has a deleterious effect on protein structure/function; This variant is associated with the following publications: (PMID: 28930861, 28808844, 27418642, 34426522, Culbreath2022[Case_Report], 40387305, 23830146, 31814065, 39675053)

Labcorp Genetics (formerly Invitae), Labcorp
Classification: Likely benign for Multiple gastrointestinal atresias. Last evaluated: 2026-02-04. Review status: criteria provided, single submitter. Criteria: Invitae Variant Classification Sherloc (09022015). Collection method: clinical testing. Allele origin: germline.

CeGaT Center for Human Genetics Tuebingen
Classification: Likely benign. Last evaluated: 2024-12-01. Review status: criteria provided, single submitter. Criteria: CeGaT Center For Human Genetics Tuebingen Variant Classification Criteria Version 2. Collection method: clinical testing. Allele origin: germline. Affected: yes. Observed: 4 variant alleles.
Comment: TTC7A: BP4, BS2

Blueprint Genetics
Classification: Uncertain significance. Last evaluated: 2024-11-22. Review status: criteria provided, single submitter. Criteria: ACMG Guidelines, 2015. Collection method: clinical testing. Allele origin: germline.

Institute of Human Genetics, University of Leipzig Medical Center
Classification: Uncertain significance for Gastrointestinal defects and immunodeficiency syndrome 1. Last evaluated: 2023-04-11. Review status: criteria provided, single submitter. Criteria: ACMG Guidelines, 2015. Collection method: clinical testing. Allele origin: unknown. Affected: yes.
Comment: _x000D_ Criteria applied: PS4_MOD, PS3_SUP, PP3

Greenwood Genetic Center Diagnostic Laboratories, Greenwood Genetic Center
Classification: Uncertain significance. Last evaluated: 2022-09-29. Review status: criteria provided, single submitter. Criteria: ACMG Guidelines, 2015. Collection method: clinical testing. Allele origin: germline. Affected: yes.
Comment: PM3_Supporting, BS1

Women's Health and Genetics/Laboratory Corporation of America, LabCorp
Classification: Uncertain significance. Last evaluated: 2020-12-13. Review status: criteria provided, single submitter. Criteria: LabCorp Variant Classification Summary - May 2015. Collection method: clinical testing. Allele origin: germline.
Comment: Variant summary: TTC7A c.2014T>C (p.Ser672Pro) results in a non-conservative amino acid change in the encoded protein sequence. Four of five in-silico tools predict a damaging effect of the variant on protein function. The variant allele was found at a frequency of 0.0021 in 251162 control chromosomes in the gnomAD database, including 3 homozygotes. The observed variant frequency is approximately 6-fold the estimated maximal expected allele frequency for a pathogenic variant in TTC7A causing Severe Combined Immunodeficiency Syndrome phenotype (0.00035), suggesting that the variant is benign. c.2014T>C has been reported in the literature in in cis with c.1817A>G, p.Lys606Arg in at least one individual affected with Combined Immunodeficiency with Multiple Intestinal Atresias (CID-MIA), who had a likely pathogenic variant (c.1000DelAAGT) in compound heterozygosity (e.g. Chen_2013). The variant has also been detected in several patients with early-onset inflammatory bowel disease (EOIBD) or inflammatory bowel disease (IBD), often occurring along with c.1817A>G, p.Lys606Arg (e.g. Kammermeier_2016, Petersen_2017, Ashton, 2020). In some cases, the variants were indicated to have been inherited as a complex allele, while in others, the phase was not reported. However, these two variants were also reported in trans in at least one individual affected by a mild form of Combined Variable Immunodeficiency Syndrome (CVID), suggesting that the variants could possibly be associated with a mild form of disease when found on separate alleles (e.g. Lawless_2017). The c.1817A>G and c.2014T>C variants were also reported in compound heterozygosity in an individual evaluated for IPEX (Immune Dysregulation, Polyendocrinopathy, Ebteropathy, X-Linked) Syndrome (e.g. Gambineri_2018). These findings do not provide unequivocal evidence for association of the variant with Severe Combined Immunodeficiency Syndrome. To the best of our knowledge, no experimental studies evaluating an impact on protein function have been reported. Two other clinical diagnostic laboratories have submitted clinical-significance assessments for this variant to ClinVar after 2014 without evidence for independent evaluation. One laboratory cited the variant as likely benign, and one laboratory cited the variant as uncertain significance. Based on the evidence outlined above, the variant was classified as VUS-possibly benign.

Center for Pediatric Genomic Medicine, Children's Mercy Hospital and Clinics
Classification: Uncertain significance. Last evaluated: 2016-10-25. Review status: criteria provided, single submitter. Criteria: ACMG Guidelines, 2015. Collection method: clinical testing. Allele origin: germline.
ClinVar note: Converted during submission from Uncertain Significance to Uncertain significance.

PreventionGenetics, part of Exact Sciences
Classification: Likely benign for TTC7A-related condition. Last evaluated: 2019-09-04. Review status: no assertion criteria provided. Collection method: clinical testing. Allele origin: germline. Not counted in ClinVar's aggregate classification.
Comment: This variant is classified as likely benign based on ACMG/AMP sequence variant interpretation guidelines (Richards et al. 2015 PMID: 25741868, with internal and published modifications).

Literature cited by the submitters: PubMed 24448499 (cited by Women's Health and Genetics/Laboratory Corporation of America, LabCorp); PubMed 31814065 (cited by Women's Health and Genetics/Laboratory Corporation of America, LabCorp); PubMed 23830146 (cited by Women's Health and Genetics/Laboratory Corporation of America, LabCorp); PubMed 30443250 (cited by Women's Health and Genetics/Laboratory Corporation of America, LabCorp); PubMed 27418642 (cited by Women's Health and Genetics/Laboratory Corporation of America, LabCorp); PubMed 28808844 (cited by Women's Health and Genetics/Laboratory Corporation of America, LabCorp); PubMed 28936210 (cited by Women's Health and Genetics/Laboratory Corporation of America, LabCorp); PubMed 28930861 (cited by Women's Health and Genetics/Laboratory Corporation of America, LabCorp); PubMed 25534311 (cited by Women's Health and Genetics/Laboratory Corporation of America, LabCorp).